The following is an entry in ClinVar:

NM_005431.2(XRCC2):c.310T>C (p.Ser104Pro)

Gene: XRCC2 (X-ray repair cross complementing 2; minus strand). Cytogenetic location: 7q36.1.
Variant type: single nucleotide variant.
Coding change: c.310T>C on transcript NM_005431.2 (MANE Select); coding-DNA position 310, T replaced by C.
Protein change: p.Ser104Pro; replaces serine 104 with proline.
Molecular consequence: missense variant.
Genome position (GRCh38, 1-based): chr7:152,649,175, A>G on the plus strand (T>C on the coding strand, the complement: XRCC2 is on the minus strand). VCF-style: chr7-152649175-A-G. GRCh37 (hg19) VCF-style: chr7-152346260-A-G.
Other names: c.310T>C (NM_005431.1); short protein forms S104P.
Identifiers: ClinVar variation 1720030 (VCV001720030.6), dbSNP rs2485881637, ClinGen allele CA370198984.

ClinVar aggregate classification (germline): Uncertain significance. Review status: criteria provided, multiple submitters, no conflicts (2 of 4 stars). 2 submissions from 2 submitters: Uncertain significance (2). Last evaluated 2024-08-27.

Conditions:
Hereditary cancer-predisposing syndrome. Also called: Hereditary neoplastic syndrome; Neoplastic Syndromes, Hereditary; Hereditary Cancer Syndrome; Tumor predisposition. Identifiers: Orphanet 140162, MedGen C0027672, MeSH D009386, MONDO:0015356.

Submissions (2):

Ambry Genetics
Classification: Uncertain significance for Hereditary cancer-predisposing syndrome. Last evaluated: 2024-08-27. Review status: criteria provided, single submitter. Criteria: Ambry Variant Classification Scheme 2023. Collection method: clinical testing. Allele origin: germline.
Comment: The p.S104P variant (also known as c.310T>C), located in coding exon 3 of the XRCC2 gene, results from a T to C substitution at nucleotide position 310. The serine at codon 104 is replaced by proline, an amino acid with similar properties. This amino acid position is conserved. In addition, this alteration is predicted to be tolerated by in silico analysis. Based on the available evidence, the clinical significance of this variant remains unclear.

Labcorp Genetics (formerly Invitae), Labcorp
Classification: Uncertain significance. Last evaluated: 2022-10-18. Review status: criteria provided, single submitter. Criteria: Invitae Variant Classification Sherloc (09022015). Collection method: clinical testing. Allele origin: germline.
Comment: In summary, the available evidence is currently insufficient to determine the role of this variant in disease. Therefore, it has been classified as a Variant of Uncertain Significance. Algorithms developed to predict the effect of missense changes on protein structure and function are either unavailable or do not agree on the potential impact of this missense change (SIFT: "Deleterious"; PolyPhen-2: "Possibly Damaging"; Align-GVGD: "Class C0"). This variant has not been reported in the literature in individuals affected with XRCC2-related conditions. This variant is not present in population databases (gnomAD no frequency). This sequence change replaces serine, which is neutral and polar, with proline, which is neutral and non-polar, at codon 104 of the XRCC2 protein (p.Ser104Pro).